The following is an entry in ClinVar:

ClinVar aggregate classification (germline): Likely pathogenic. Review status: criteria provided, multiple submitters, no conflicts (2 of 4 stars). 2 submissions from 2 submitters: Likely pathogenic (2). Last evaluated 2024-09-30.

Conditions:
Hermansky-Pudlak syndrome 3 (HPS3). Identifiers: Orphanet 231512, Orphanet 79430, MedGen C3888001, MONDO:0013555, OMIM 614072.
Hermansky-Pudlak syndrome (HPS). Also called: ALBINISM WITH HEMORRHAGIC DIATHESIS AND PIGMENTED RETICULOENDOTHELIAL CELLS. Identifiers: Orphanet 79430, MedGen C0079504, MONDO:0019312.

Submissions (2):

Natera, Inc.
Classification: Likely pathogenic for Hermansky-Pudlak syndrome. Last evaluated: 2024-09-30. Review status: criteria provided, single submitter. Criteria: Natera Variant Classification Schema (03/2026). Collection method: clinical testing. Allele origin: germline.
Comment: The c.904dup variant in HPS3 is a frameshift variant predicted to shift the reading frame beginning at codon 302 and leads to a stop codon 7 codons downstream. This variant is expected to result in nonsense mediated decay, truncation, or a dysfunctional protein product. This variant is rare in the general population with a frequency below the threshold expected for the associated phenotype(s). Given the available evidence, this variant is classified as Likely Pathogenic.

Baylor Genetics
Classification: Likely pathogenic for Hermansky-Pudlak syndrome 3. Last evaluated: 2023-08-24. Review status: criteria provided, single submitter. Criteria: ACMG Guidelines, 2015. Collection method: clinical testing. Allele origin: unknown.

NM_032383.5(HPS3):c.904dup (p.Ser302fs)

Gene: HPS3 (HPS3 biogenesis of lysosomal organelles complex 2 subunit 1; plus strand). Cytogenetic location: 3q24.
Variant type: Duplication.
Coding change: c.904dup on transcript NM_032383.5 (MANE Select); coding-DNA position 904, one base duplicated (T; older notation c.904dupT).
Protein change: p.Ser302fs; shifts the reading frame from serine 302.
Molecular consequence: frameshift variant.
Genome position (GRCh38, 1-based): chr3:149,141,314, T duplicated; the last of 3 consecutive T bases (chr3:149,141,312-149,141,314); duplicating any one gives the same sequence. VCF-style (leftmost placement, unchanged base first): chr3-149141311-A-AT. GRCh37 (hg19) VCF-style: chr3-148859098-A-AT.
Other names: c.409dup, p.Ser137fs (NM_001308258.2); c.904dup (NM_032383.4); short protein forms S137fs, S302fs.
Identifiers: ClinVar variation 2676071 (VCV002676071.2), dbSNP rs2473073532, ClinGen allele CA2668133794.